The following is an entry in ClinVar:

ClinVar aggregate classification (germline): Likely benign. Review status: criteria provided, single submitter (1 of 4 stars). 3 submissions from 3 submitters: Likely benign (1). 2 of the submissions do not count toward it. Last evaluated 2026-02-02.

Conditions:
Glucose-6-phosphate transport defect (GSD1B). Also called: GSD Ib; Glycogen Storage Disease Type Ib. Identifiers: Orphanet 364, Orphanet 79259, MedGen C0268146, MONDO:0009288, OMIM 232220.
SLC37A4-related disorder. Also called: SLC37A4-related condition.

Allele frequency attached by ClinVar (database versions not stated): gnomAD below 0.00001 and 0.00006; 1000 Genomes Project 30x 0.00047; 1000 Genomes Project 0.00060.

Submissions (3):

Labcorp Genetics (formerly Invitae), Labcorp
Classification: Likely benign for Glucose-6-phosphate transport defect. Last evaluated: 2026-02-02. Review status: criteria provided, single submitter. Criteria: Invitae Variant Classification Sherloc (09022015). Collection method: clinical testing. Allele origin: germline.

PreventionGenetics, part of Exact Sciences
Classification: Likely benign for SLC37A4-related condition. Last evaluated: 2023-08-01. Review status: no assertion criteria provided. Collection method: clinical testing. Allele origin: germline. Not counted in ClinVar's aggregate classification.
Comment: This variant is classified as likely benign based on ACMG/AMP sequence variant interpretation guidelines (Richards et al. 2015 PMID: 25741868, with internal and published modifications).

Natera, Inc.
Classification: Uncertain significance for Glycogen storage disease type Ib. Last evaluated: 2020-03-10. Review status: no assertion criteria provided. Collection method: clinical testing. Allele origin: germline. Not counted in ClinVar's aggregate classification.

NM_001164277.2(SLC37A4):c.611C>T (p.Ser204Phe)

Gene: SLC37A4 (solute carrier family 37 member 4; minus strand). Cytogenetic location: 11q23.3.
Variant type: single nucleotide variant.
Coding change: c.611C>T on transcript NM_001164277.2 (MANE Select); coding-DNA position 611, C replaced by T.
Protein change: p.Ser204Phe; replaces serine 204 with phenylalanine.
Molecular consequence: missense variant.
Genome position (GRCh38, 1-based): chr11:119,027,642, G>A on the plus strand (C>T on the coding strand, the complement: SLC37A4 is on the minus strand). VCF-style: chr11-119027642-G-A. GRCh37 (hg19) VCF-style: chr11-118898352-G-A.
Other names: c.611C>T, p.Ser204Phe (NM_001164278.2, NM_001164280.2, NM_001467.6); c.392C>T, p.Ser131Phe (NM_001164279.2); short protein forms S131F, S204F.
Identifiers: ClinVar variation 751412 (VCV000751412.13), dbSNP rs567419206, ClinGen allele CA6311795.
Genomic context (GRCh38, chr11:119,027,642, plus strand): 5'-GCCTGCTAAATGAGTGCCCCAGTGGTCGGTCTGGGTGGGGGCTCACCCTTCTTGCCCTCA[G>A]AGGGCATGGGGTCCAGGTTGCGGAGTCCAACATCAGCAGGTTCATTGTGGATGAGCAGGA-3'
Protein context (NP_001157749.1, residues 194-214): VGLRNLDPMP[Ser204Phe]EGKKGSLKEE